The following is an entry in ClinVar:

NM_000051.4(ATM):c.5947dup (p.Ser1983fs)

Genes: C11orf65 (chromosome 11 open reading frame 65; minus strand), ATM (ATM serine/threonine kinase; plus strand). Cytogenetic location: 11q22.3.
Variant type: Duplication.
Coding change: c.5947dup on transcript NM_000051.4 (MANE Select); coding-DNA position 5947, one base duplicated (A; older notation c.5947dupA).
Protein change: p.Ser1983fs; shifts the reading frame from serine 1983.
Molecular consequence: frameshift variant. On other transcripts: intron variant (2).
Genome position (GRCh38, 1-based): chr11:108,312,439, A duplicated. VCF-style (leftmost placement, unchanged base first): chr11-108312438-G-GA. GRCh37 (hg19) VCF-style: chr11-108183165-G-GA.
Other names: c.5947dup, p.Ser1983fs (NM_001351834.2); c.641-3368dup (NM_001330368.2); c.*39-3368dup (NM_001351110.2); c.5947dupA (NM_000051.3); short protein forms S1983fs.
Identifiers: ClinVar variation 246465 (VCV000246465.4), dbSNP rs879254271, ClinGen allele CA228398285.
Genomic context (GRCh38, chr11:108,312,438, plus strand): 5'-TCTCATTAAAAGAGGTGTTCTTGTGACAAACAGAAGTCTTGCATTTGAAGAAGGAAGCCA[G>GA]AGTACAACTATTTCTAGCTTGAGTGAAAAAAGTAAAGAAGAAACTGGAATAAGTTTACAG-3'

ClinVar aggregate classification (germline): Likely pathogenic (1 of 4 stars; one submission).

Submission:

GeneDx
Classification: Likely pathogenic. Last evaluated: 2016-03-03. Review status: criteria provided, single submitter. Criteria: GeneDx Variant Classification (06012015). Collection method: clinical testing. Allele origin: germline. Affected: yes.
Comment: This duplication of one nucleotide in ATM is denoted c.5947dupA at the cDNA level and p.Ser1983LysfsX6 (S1983KfsX6) at the protein level. The normal sequence, with the base that is duplicated in braces, is CCAG[A]GTAC. The duplication causes a frameshift which changes a Serine to a Lysine at codon 1983, and creates a premature stop codon at position 6 of the new reading frame. Although this variant has not, to our knowledge, been reported in the literature, it is predicted to cause loss of normal protein function through either protein truncation or nonsense-mediated mRNA decay. Based on the currently available information, we consider this duplication to be a likely pathogenic variant.